The following is an entry in ClinVar:

NM_002473.6(MYH9):c.5709C>T (p.Ala1903=)

Gene: MYH9 (myosin heavy chain 9; minus strand). Cytogenetic location: 22q12.3.
Variant type: single nucleotide variant.
Coding change: c.5709C>T on transcript NM_002473.6 (MANE Select); coding-DNA position 5709, C replaced by T.
Protein change: p.Ala1903=; no amino-acid change (alanine 1903 retained).
Molecular consequence: synonymous variant.
Genome position (GRCh38, 1-based): chr22:36,284,149, G>A on the plus strand (C>T on the coding strand, the complement: MYH9 is on the minus strand). VCF-style: chr22-36284149-G-A. GRCh37 (hg19) VCF-style: chr22-36680195-G-A.
Identifiers: ClinVar variation 258758 (VCV000258758.45), dbSNP rs145444485, ClinGen allele CA10208957.

ClinVar aggregate classification (germline): Benign/Likely benign. Review status: criteria provided, multiple submitters, no conflicts (2 of 4 stars). 9 submissions from 8 submitters: Benign (2); Likely benign (7). Last evaluated 2026-06-01.

Conditions:
MYH9-related disorder. Identifiers: MedGen C1854520.
Autosomal dominant nonsyndromic hearing loss 17. Also called: Autosomal dominant nonsyndromic deafness 17; Deafness, autosomal dominant 17. Identifiers: Orphanet 90635, MedGen C1863659, MONDO:0011350, OMIM 603622.

Allele frequency attached by ClinVar (database versions not stated): 1000 Genomes Project 0.00020; gnomAD exomes 0.00027 and 0.00045; ExAC 0.00041; ESP Exome Variant Server 0.00008; gnomAD 0.00012 and 0.00019; 1000 Genomes Project 30x 0.00016; TOPMed 0.00019.
gnomAD v4.1: 437 of 1,614,180 alleles (0.027%); highest among the groups gnomAD compares: South Asian, 0.24%; 8 homozygotes.

Submissions (9):

CeGaT Center for Human Genetics Tuebingen
Classification: Likely benign. Last evaluated: 2026-06-01. Review status: criteria provided, single submitter. Criteria: CeGaT Center For Human Genetics Tuebingen Variant Classification Criteria Version 2. Collection method: clinical testing. Allele origin: germline. Affected: yes. Observed: 2 variant alleles.
Comment: MYH9: BP4, BP7

Labcorp Genetics (formerly Invitae), Labcorp
Classification: Benign. Last evaluated: 2025-12-02. Review status: criteria provided, single submitter. Criteria: Invitae Variant Classification Sherloc (09022015). Collection method: clinical testing. Allele origin: germline.

Blueprint Genetics
Classification: Likely benign. Last evaluated: 2024-09-16. Review status: criteria provided, single submitter. Criteria: ACMG Guidelines, 2015. Collection method: clinical testing. Allele origin: germline.

GeneDx
Classification: Likely benign. Last evaluated: 2020-08-26. Review status: criteria provided, single submitter. Criteria: GeneDx Variant Classification Process June 2021. Collection method: clinical testing. Allele origin: germline. Affected: yes.

Illumina Laboratory Services, Illumina
Classification: Likely benign for Autosomal dominant nonsyndromic hearing loss 17. Last evaluated: 2018-01-12. Review status: criteria provided, single submitter. Criteria: ICSL Variant Classification Criteria 13 December 2019. Collection method: clinical testing. Allele origin: germline.
Comment: This variant was observed in the ICSL laboratory as part of a predisposition screen in an ostensibly healthy population. It had not been previously curated by ICSL or reported in the Human Gene Mutation Database (HGMD: prior to June 1st, 2018), and was therefore a candidate for classification through an automated scoring system. Utilizing variant allele frequency, disease prevalence and penetrance estimates, and inheritance mode, an automated score was calculated to assess if this variant is too frequent to cause the disease. Based on the score and internal cut-off values, a variant classified as likely benign is not then subjected to further curation. The score for this variant resulted in a classification of likely benign for this disease.

Illumina Laboratory Services, Illumina
Classification: Benign for MYH9-related disorder. Last evaluated: 2018-01-12. Review status: criteria provided, single submitter. Criteria: ICSL Variant Classification Criteria 13 December 2019. Collection method: clinical testing. Allele origin: germline.
Comment: This variant was observed in the ICSL laboratory as part of a predisposition screen in an ostensibly healthy population. It had not been previously curated by ICSL or reported in the Human Gene Mutation Database (HGMD: prior to June 1st, 2018), and was therefore a candidate for classification through an automated scoring system. Utilizing variant allele frequency, disease prevalence and penetrance estimates, and inheritance mode, an automated score was calculated to assess if this variant is too frequent to cause the disease. Based on the score and internal cut-off values, a variant classified as benign is not then subjected to further curation. The score for this variant resulted in a classification of benign for this disease.

Laboratory for Molecular Medicine, Mass General Brigham Personalized Medicine
Classification: Likely benign. Last evaluated: 2016-04-18. Review status: criteria provided, single submitter. Criteria: LMM Criteria. Collection method: clinical testing. Allele origin: germline. Observed: 1 variant allele.
Comment: p.Ala1903Ala in exon 40 of MYH9: This variant is not expected to have clinical s ignificance because it does not alter an amino acid residue, is not located with in the splice consensus sequence, and has been identified in 0.2% (29/16508) of South Asian chromosomes by the Exome Aggregation Consortium (ExAC; dbSNP rs145444485).

Breakthrough Genomics
Classification: Likely benign. Review status: criteria provided, single submitter. Criteria: ACMG Guidelines, 2015. Collection method: not provided. Allele origin: germline. Inheritance: Autosomal dominant inheritance. Affected: yes.

PreventionGenetics, part of Exact Sciences
Classification: Likely benign. Review status: criteria provided, single submitter. Criteria: ACMG Guidelines, 2015. Collection method: clinical testing. Allele origin: germline.